The following is an entry in ClinVar:

NM_005251.3(FOXC2):c.269AGA[2] (p.Lys92del)

Genes: FOXC2 (forkhead box C2; plus strand), FOXC2-AS1 (FOXC2 antisense RNA 1; minus strand). Cytogenetic location: 16q24.1.
Variant type: Microsatellite.
Coding change: c.269AGA[2] on transcript NM_005251.3 (MANE Select); two copies in a row of the 3-base unit AGA starting at c.269; the reference has three copies in a row; one copy, 3 bases deleted.
Protein change: p.Lys92del; deletes lysine 92.
Molecular consequence: inframe deletion.
Genome position (GRCh38, 1-based): chr16:86,567,610-86,567,612, AGA deleted; deleting any 3 consecutive bases within chr16:86,567,604-86,567,612 gives the same sequence; the position shown is the placement nearest the transcript's 3' end. VCF-style (leftmost placement, unchanged base first): chr16-86567603-GAGA-G. GRCh37 (hg19) VCF-style: chr16-86601209-GAGA-G.
Other names: short protein forms K92del.
Identifiers: ClinVar variation 4282214 (VCV004282214.1).

ClinVar aggregate classification (germline): Uncertain significance (1 of 4 stars; one submission).

Submission:

GeneDx
Classification: Uncertain significance. Last evaluated: 2025-04-13. Review status: criteria provided, single submitter. Criteria: GeneDx Variant Classification Process June 2021. Collection method: clinical testing. Allele origin: germline. Affected: yes.
Comment: Not observed at significant frequency in large population cohorts (gnomAD); In-frame deletion of 1 amino acid in a non-repeat region; In silico analysis supports a deleterious effect on protein structure/function; Has not been previously published as pathogenic or benign to our knowledge